The following is an entry in ClinVar:

ClinVar aggregate classification (germline): Conflicting classifications of pathogenicity. Review status: criteria provided, conflicting classifications (1 of 4 stars). 3 submissions from 3 submitters: Uncertain significance (1); Likely benign (2). Last evaluated 2026-01-21.

Conditions:
Familial cancer of breast. Also called: BREAST CANCER, FAMILIAL; Hereditary breast cancer; hereditary breast carcinoma. Identifiers: Orphanet 227535, MedGen C0346153, MONDO:0016419, OMIM 114480. Disease mechanism: loss of function.
Fanconi anemia complementation group J. Also called: BRIP1-Related Fanconi Anemia. Identifiers: Orphanet 84, MedGen C1836860, MONDO:0012187, OMIM 609054.

Submissions (3):

Labcorp Genetics (formerly Invitae), Labcorp
Classification: Likely benign for Familial cancer of breast; Fanconi anemia complementation group J. Last evaluated: 2026-01-21. Review status: criteria provided, single submitter. Criteria: Invitae Variant Classification Sherloc (09022015). Collection method: clinical testing. Allele origin: germline.

Myriad Genetics, Inc.
Classification: Likely benign for Familial cancer of breast. Last evaluated: 2024-08-27. Review status: criteria provided, single submitter. Criteria: Myriad Autosomal Dominant, Autosomal Recessive and X-Linked Classification Criteria (2023). Collection method: clinical testing. Allele origin: unknown.
Comment: This variant is considered likely benign. This variant is intronic and is not expected to impact mRNA splicing.

Quest Diagnostics Nichols Institute San Juan Capistrano
Classification: Uncertain significance. Last evaluated: 2018-05-19. Review status: criteria provided, single submitter. Criteria: Quest Diagnostics criteria. Collection method: clinical testing. Allele origin: germline.

NM_032043.3(BRIP1):c.1340+7_1340+9del

Gene: BRIP1 (BRCA1 interacting DNA helicase 1; minus strand). Cytogenetic location: 17q23.2.
Variant type: Microsatellite.
Coding change: c.1340+7_1340+9del on transcript NM_032043.3 (MANE Select); bases 7 to 9 of the intron after coding-DNA position 1340, 3 bases deleted (AGA; older notation c.1340+7_1340+9delAGA).
Molecular consequence: intron variant.
Genome position (GRCh38, 1-based): chr17:61,799,091-61,799,093, TCT deleted on the plus strand (AGA on the coding strand, the reverse complement: BRIP1 is on the minus strand); deleting any 3 consecutive bases within chr17:61,799,091-61,799,097 gives the same sequence; the c. name uses the placement nearest the transcript's 3' end. VCF-style (leftmost placement, unchanged base first): chr17-61799090-ATCT-A. GRCh37 (hg19) VCF-style: chr17-59876451-ATCT-A.
Identifiers: ClinVar variation 619660 (VCV000619660.12), dbSNP rs1413352933, ClinGen allele CA626807357.